The following is an entry in ClinVar:

NM_018122.5(DARS2):c.1375T>G (p.Cys459Gly)

Gene: DARS2 (aspartyl-tRNA synthetase 2, mitochondrial; plus strand). Cytogenetic location: 1q25.1.
Variant type: single nucleotide variant.
Coding change: c.1375T>G on transcript NM_018122.5 (MANE Select); coding-DNA position 1375, T replaced by G.
Protein change: p.Cys459Gly; replaces cysteine 459 with glycine.
Molecular consequence: missense variant.
Genome position (GRCh38, 1-based): chr1:173,853,379, T>G. VCF-style: chr1-173853379-T-G. GRCh37 (hg19) VCF-style: chr1-173822517-T-G.
Other names: c.1222T>G, p.Cys408Gly (NM_001365212.1); short protein forms C408G, C459G.
Identifiers: ClinVar variation 2131380 (VCV002131380.6), dbSNP rs751160910, ClinGen allele CA343766346.

ClinVar aggregate classification (germline): Uncertain significance. Review status: criteria provided, multiple submitters, no conflicts (2 of 4 stars). 3 submissions from 3 submitters: Uncertain significance (3). Last evaluated 2023-08-04.

Conditions:
Leukoencephalopathy with brain stem and spinal cord involvement-high lactate syndrome (LBSL). Also called: Leukoencephalopathy with Brainstem and Spinal Cord Involvement and Lactate Elevation; LEUKOENCEPHALOPATHY WITH BRAINSTEM AND SPINAL CORD INVOLVEMENT AND LACTATE ELEVATION, MILD; MITOCHONDRIAL ASPARTYL-tRNA SYNTHETASE DEFICIENCY. Identifiers: Orphanet 137898, MedGen C1970180, MONDO:0012622, OMIM 611105.

Submissions (3):

Labcorp Genetics (formerly Invitae), Labcorp
Classification: Uncertain significance. Last evaluated: 2023-08-04. Review status: criteria provided, single submitter. Criteria: Invitae Variant Classification Sherloc (09022015). Collection method: clinical testing. Allele origin: germline.
Comment: ClinVar contains an entry for this variant (Variation ID: 2131380). This variant has not been reported in the literature in individuals affected with DARS2-related conditions. This variant is not present in population databases (gnomAD no frequency). This sequence change replaces cysteine, which is neutral and slightly polar, with glycine, which is neutral and non-polar, at codon 459 of the DARS2 protein (p.Cys459Gly). Advanced modeling of protein sequence and biophysical properties (such as structural, functional, and spatial information, amino acid conservation, physicochemical variation, residue mobility, and thermodynamic stability) has been performed at Invitae for this missense variant, however the output from this modeling did not meet the statistical confidence thresholds required to predict the impact of this variant on DARS2 protein function. In summary, the available evidence is currently insufficient to determine the role of this variant in disease. Therefore, it has been classified as a Variant of Uncertain Significance.

Genome-Nilou Lab
Classification: Uncertain significance for Leukoencephalopathy with brain stem and spinal cord involvement-high lactate syndrome. Last evaluated: 2023-04-11. Review status: criteria provided, single submitter. Criteria: ACMG Guidelines, 2015. Collection method: clinical testing. Allele origin: germline. Affected: no.

Laboratorio de Genetica e Diagnostico Molecular, Hospital Israelita Albert Einstein
Classification: Uncertain significance for Leukoencephalopathy with brain stem and spinal cord involvement-high lactate syndrome. Last evaluated: 2022-06-21. Review status: criteria provided, single submitter. Criteria: ACMG Guidelines, 2015. Collection method: clinical testing. Allele origin: germline. Affected: yes. Observed: 1 variant allele.
Comment: ACMG classification criteria: PM2 moderated